The following is an entry in ClinVar:

NM_006739.4(MCM5):c.1976-3C>A

Gene: MCM5 (minichromosome maintenance complex component 5; plus strand). Cytogenetic location: 22q12.3.
Variant type: single nucleotide variant.
Coding change: c.1976-3C>A on transcript NM_006739.4 (MANE Select); 3 bases into the intron before coding-DNA position 1976, C replaced by A.
Molecular consequence: intron variant.
Genome position (GRCh38, 1-based): chr22:35,423,211, C>A. VCF-style: chr22-35423211-C-A. GRCh37 (hg19) VCF-style: chr22-35819204-C-A.
Identifiers: ClinVar variation 1991464 (VCV001991464.5), dbSNP rs747974884, ClinGen allele CA10205625.

ClinVar aggregate classification (germline): Uncertain significance (1 of 4 stars; one submission).

Allele frequency attached by ClinVar (database versions not stated): ExAC 0.00001; gnomAD 0.00002; TOPMed 0.00007.
gnomAD v4.1: 4 of 1,568,950 alleles (0.00025%); highest among the groups gnomAD compares: Admixed American, 0.0035%; no homozygotes.

Submissions (2):

Labcorp Genetics (formerly Invitae), Labcorp
Classification: Uncertain significance. Last evaluated: 2024-10-06. Review status: criteria provided, single submitter. Criteria: Invitae Variant Classification Sherloc (09022015). Collection method: clinical testing. Allele origin: germline.
Comment: This sequence change falls in intron 15 of the MCM5 gene. It does not directly change the encoded amino acid sequence of the MCM5 protein. It affects a nucleotide within the consensus splice site. The frequency data for this variant in the population databases is considered unreliable, as metrics indicate poor data quality at this position in the gnomAD database. This variant has not been reported in the literature in individuals affected with MCM5-related conditions. ClinVar contains an entry for this variant (Variation ID: 1991464). Variants that disrupt the consensus splice site are a relatively common cause of aberrant splicing (PMID: 17576681, 9536098). Algorithms developed to predict the effect of sequence changes on RNA splicing suggest that this variant may disrupt the consensus splice site. In summary, the available evidence is currently insufficient to determine the role of this variant in disease. Therefore, it has been classified as a Variant of Uncertain Significance.

Dr. Peter K. Rogan Lab, Western University
No classification provided (evidence only). Condition: Clear cell carcinoma of kidney. Review status: no classification provided. Collection method: in vitro. Allele origin: not applicable. Functional consequence: retained intron. Not counted in ClinVar's aggregate classification.

Literature cited by the submitters: PubMed 17576681 (cited by Labcorp Genetics (formerly Invitae), Labcorp); PubMed 9536098 (cited by Labcorp Genetics (formerly Invitae), Labcorp).